The following is an entry in ClinVar:

ClinVar aggregate classification (germline): Pathogenic (1 of 4 stars; one submission).

Submission:

GeneDx
Classification: Pathogenic. Last evaluated: 2017-01-11. Review status: criteria provided, single submitter. Criteria: GeneDx Variant Classification (06012015). Collection method: clinical testing. Allele origin: germline. Affected: yes.
Comment: The V2035M variant in the F8 gene has been reported previously in one individual with hemophilia A (Reitter et al., 2010) and in four additional individuals in the Factor VIII Variant Database. The V2035M variant was not observed in approximately 6500 individuals of European and African American ancestry in the NHLBI Exome Sequencing Project, indicating it is not a common benign variant in these populations. The V2035M variant is a conservative amino acid substitution, which is not likely to impact secondary protein structure as these residues share similar properties. However, this substitution occurs at a position that is conserved across species, and in silico analysis predicts this variant is probably damaging to the protein structure/function. Missense variants in the same residue (V2035E, V2035G,V2035A) and in nearby residues (S2030N, Y2036C, N2038S, C2040R, C2040G, C2040Y) have been reported in the Human Gene Mutation Database in association with hemophilia A (Stenson et al., 2014), supporting the functional importance of this residue and this region of the protein. Therefore, we interpret V2035M as a pathogenic variant.

NM_000132.4(F8):c.6103G>A (p.Val2035Met)

Gene: F8 (coagulation factor VIII; minus strand). Cytogenetic location: Xq28.
Variant type: single nucleotide variant.
Coding change: c.6103G>A on transcript NM_000132.4 (MANE Select); coding-DNA position 6103, G replaced by A.
Protein change: p.Val2035Met; replaces valine 2035 with methionine.
Molecular consequence: missense variant.
Genome position (GRCh38, 1-based): chrX:154,902,063, C>T on the plus strand (G>A on the coding strand, the complement: F8 is on the minus strand). VCF-style: chrX-154902063-C-T. GRCh37 (hg19) VCF-style: chrX-154130338-C-T.
Other names: short protein forms V2035M.
Identifiers: ClinVar variation 381561 (VCV000381561.2), dbSNP rs1057521074, ClinGen allele CA16609159.
Genomic context (GRCh38, chrX:154,902,063, plus strand): 5'-AGAAGTAGGCTGAGTAGGTAGGGAACCTCTGCCCACATTGCTACTCACTATTGCTGTACA[C>T]CAGAAAAAGTGTGCTCATCCCAGCATGTAGATGCTCGCCAATAAGGCATTCCACCCGCCA-3'
Protein context (NP_000123.1, residues 2025-2045): LHAGMSTLFL[Val2035Met]YSNKCQTPLG